The following is an entry in ClinVar:

ClinVar aggregate classification (germline): Pathogenic/Likely pathogenic. Review status: criteria provided, multiple submitters, no conflicts (2 of 4 stars). 2 submissions from 2 submitters: Pathogenic (1); Likely pathogenic (1). Last evaluated 2025-02-27.

Conditions:
Developmental and epileptic encephalopathy, 2 (DEE2). Also called: INFANTILE SPASM SYNDROME, X-LINKED 2; CDKL5 deficiency disorder. Identifiers: Orphanet 1934, Orphanet 3451, Orphanet 505652, MedGen C4750718, MONDO:0010396, OMIM 300672.
Angelman syndrome-like. Identifiers: MedGen CN128785.

Submissions (2):

Dasa
Classification: Pathogenic. Last evaluated: 2025-02-27. Review status: criteria provided, single submitter. Criteria: DASA Assertion Criteria. Collection method: clinical testing. Allele origin: germline.
Comment: NM_001323289.2(CDKL5):c.464-1G>C introduces a premature termination codon predicted to result in loss of normal protein function. Loss-of-function is an established mechanism of disease for this gene. This variant results in the same amino acid change as a previously established pathogenic variant. This variant has been reported in individuals with related phenotype (PMID: 22872100). The variant is present at low frequency in population datasets. Based on the available data, this variant is classified as pathogenic.

Labcorp Genetics (formerly Invitae), Labcorp
Classification: Likely pathogenic for Developmental and epileptic encephalopathy, 2; Angelman syndrome-like. Last evaluated: 2021-08-12. Review status: criteria provided, single submitter. Criteria: Invitae Variant Classification Sherloc (09022015). Collection method: clinical testing. Allele origin: germline.

Literature cited by the submitters: PubMed 22872100 (cited by Dasa).

NM_001323289.2(CDKL5):c.464-1G>C

Gene: CDKL5 (cyclin dependent kinase like 5; plus strand). Cytogenetic location: Xp22.13.
Variant type: single nucleotide variant.
Coding change: c.464-1G>C on transcript NM_001323289.2 (MANE Select); the canonical splice acceptor site of the intron before coding-DNA position 464, G replaced by C.
Molecular consequence: splice acceptor variant.
Genome position (GRCh38, 1-based): chrX:18,584,262, G>C. VCF-style: chrX-18584262-G-C. GRCh37 (hg19) VCF-style: chrX-18602382-G-C.
Other names: c.464-1G>C (NM_003159.3, NM_001037343.2).
Identifiers: ClinVar variation 834731 (VCV000834731.6), dbSNP rs786204986, ClinGen allele CA412352089.